The following is an entry in ClinVar:

ClinVar aggregate classification (germline): Likely benign. Review status: criteria provided, multiple submitters, no conflicts (2 of 4 stars). 2 submissions from 2 submitters: Likely benign (2). Last evaluated 2024-11-27.

Conditions:
OSTM1-related disorder. Also called: OSTM1-related condition.

Allele frequency attached by ClinVar (database versions not stated): gnomAD exomes below 0.00001; TOPMed below 0.00001; gnomAD 0.00001.
gnomAD v4.1: 2 of 1,557,868 alleles (0.00013%); highest among the groups gnomAD compares: Non-Finnish European, 0.00017%; no homozygotes.

Submissions (2):

PreventionGenetics, part of Exact Sciences
Classification: Likely benign for OSTM1-related condition. Last evaluated: 2024-11-27. Review status: criteria provided, single submitter. Criteria: ACMG Guidelines, 2015. Collection method: clinical testing. Allele origin: germline.
Comment: This variant is classified as likely benign based on ACMG/AMP sequence variant interpretation guidelines (Richards et al. 2015 PMID: 25741868, with internal and published modifications).

Labcorp Genetics (formerly Invitae), Labcorp
Classification: Likely benign. Last evaluated: 2024-01-24. Review status: criteria provided, single submitter. Criteria: Invitae Variant Classification Sherloc (09022015). Collection method: clinical testing. Allele origin: germline.

NM_014028.4(OSTM1):c.99C>T (p.Leu33=)

Genes: OSTM1 (osteoclastogenesis associated transmembrane protein 1; minus strand), LOC129996933 (ATAC-STARR-seq lymphoblastoid silent region 17446; plus strand). Cytogenetic location: 6q21.
Variant type: single nucleotide variant.
Coding change: c.99C>T on transcript NM_014028.4 (MANE Select); coding-DNA position 99, C replaced by T.
Protein change: p.Leu33=; no amino-acid change (leucine 33 retained).
Molecular consequence: synonymous variant.
Genome position (GRCh38, 1-based): chr6:108,074,553, G>A on the plus strand (C>T on the coding strand, the complement: OSTM1 is on the minus strand). VCF-style: chr6-108074553-G-A. GRCh37 (hg19) VCF-style: chr6-108395757-G-A.
Other names: c.99C>T (NM_014028.3).
Identifiers: ClinVar variation 2971056 (VCV002971056.4), dbSNP rs747818545, ClinGen allele CA3948134.